The following is an entry in ClinVar:

NM_182916.3(TRNT1):c.778del (p.Asp260fs)

Gene: TRNT1 (tRNA nucleotidyl transferase 1; plus strand). Cytogenetic location: 3p26.2.
Variant type: Deletion.
Coding change: c.778del on transcript NM_182916.3 (MANE Select); coding-DNA position 778, one base deleted (G; older notation c.778delG).
Protein change: p.Asp260fs; shifts the reading frame from aspartic acid 260.
Molecular consequence: frameshift variant. On other transcripts: non-coding transcript variant (6), intron variant (1).
Genome position (GRCh38, 1-based): chr3:3,146,599, G deleted. VCF-style (leftmost placement, unchanged base first): chr3-3146598-TG-T. GRCh37 (hg19) VCF-style: chr3-3188282-TG-T.
Other names: c.778del, p.Asp260fs (NM_001367321.1, NM_001367322.1, NM_001367323.1); c.742+36del (NM_001302946.2); short protein forms D260fs.
Identifiers: ClinVar variation 1406480 (VCV001406480.6), dbSNP rs1433432612, ClinGen allele CA432114359.
Genomic context (GRCh38, chr3:3,146,598, plus strand): 5'-GGTGGAACTGAAAAAAATTCTTGTTGGTAACCATGTAAATCATTTGATTCACCTTATCTA[TG>T]ATCTTGATGTGGCTCCTTATATAGGTGAGAGCAAGTTATAAAGTGTTTGAATTTTTGGCA-3'

ClinVar aggregate classification (germline): Pathogenic (1 of 4 stars; one submission).

Conditions:
Congenital sideroblastic anemia-B-cell immunodeficiency-periodic fever-developmental delay syndrome. Also called: Sideroblastic anemia with B-cell immunodeficiency, periodic fevers, and developmental delay. Identifiers: Orphanet 369861, MedGen C4015172, MONDO:0014487, OMIM 616084.

Allele frequency attached by ClinVar (database versions not stated): gnomAD exomes below 0.00001; TOPMed below 0.00001; ESP Exome Variant Server 0.00008.

Submission:

Labcorp Genetics (formerly Invitae), Labcorp
Classification: Pathogenic for Congenital sideroblastic anemia-B-cell immunodeficiency-periodic fever-developmental delay syndrome. Last evaluated: 2022-08-31. Review status: criteria provided, single submitter. Criteria: Invitae Variant Classification Sherloc (09022015). Collection method: clinical testing. Allele origin: germline.
Comment: This variant is not present in population databases (gnomAD no frequency). This sequence change creates a premature translational stop signal (p.Asp260Ilefs*8) in the TRNT1 gene. It is expected to result in an absent or disrupted protein product. Loss-of-function variants in TRNT1 are known to be pathogenic (PMID: 25193871). For these reasons, this variant has been classified as Pathogenic. ClinVar contains an entry for this variant (Variation ID: 1406480). This variant has not been reported in the literature in individuals affected with TRNT1-related conditions.

Literature cited by the submitters: PubMed 25193871.